The following is an entry in ClinVar:

ClinVar aggregate classification (germline): Benign (0 of 4 stars; one submission).

Conditions:
DNAH2-related disorder. Also called: DNAH2-related condition.

Allele frequency attached by ClinVar (database versions not stated): 1000 Genomes Project 0.02097; 1000 Genomes Project 30x 0.02186; TOPMed 0.02957; gnomAD 0.03137; ESP Exome Variant Server 0.03437; ExAC 0.04104; gnomAD exomes 0.04539.

Submissions (2):

PreventionGenetics, part of Exact Sciences
Classification: Benign for DNAH2-related condition. Last evaluated: 2019-12-05. Review status: no assertion criteria provided. Collection method: clinical testing. Allele origin: germline.
Comment: This variant is classified as benign based on ACMG/AMP sequence variant interpretation guidelines (Richards et al. 2015 PMID: 25741868, with internal and published modifications).

Dr. Peter K. Rogan Lab, Western University
No classification provided (evidence only). Condition: Thymoma. Review status: no classification provided. Collection method: in vitro. Allele origin: not applicable. Functional consequence: retained intron. Not counted in ClinVar's aggregate classification.

NM_020877.5(DNAH2):c.2967C>T (p.Ala989=)

Gene: DNAH2 (dynein axonemal heavy chain 2; plus strand). Cytogenetic location: 17p13.1.
Variant type: single nucleotide variant.
Coding change: c.2967C>T on transcript NM_020877.5 (MANE Select); coding-DNA position 2967, C replaced by T.
Protein change: p.Ala989=; no amino-acid change (alanine 989 retained).
Molecular consequence: synonymous variant.
Genome position (GRCh38, 1-based): chr17:7,760,921, C>T. VCF-style: chr17-7760921-C-T. GRCh37 (hg19) VCF-style: chr17-7664239-C-T.
Other names: NC_000017.10:g.7664239C>T.
Identifiers: ClinVar variation 3056427 (VCV003056427.3), dbSNP rs12185237, ClinGen allele CA8356617.